The following is an entry in ClinVar:

ClinVar aggregate classification (germline): Uncertain significance (1 of 4 stars; one submission).

Conditions:
Hereditary cancer-predisposing syndrome. Also called: Tumor predisposition; Hereditary Cancer Syndrome; Hereditary neoplastic syndrome; Neoplastic Syndromes, Hereditary. Identifiers: Orphanet 140162, MedGen C0027672, MeSH D009386, MONDO:0015356.

Submission:

Labcorp Genetics (formerly Invitae), Labcorp
Classification: Uncertain significance for Hereditary cancer-predisposing syndrome. Last evaluated: 2025-04-28. Review status: criteria provided, single submitter. Criteria: Invitae Variant Classification Sherloc (09022015). Collection method: clinical testing. Allele origin: germline.
Comment: This sequence change replaces glutamic acid, which is acidic and polar, with glycine, which is neutral and non-polar, at codon 402 of the RAD50 protein (p.Glu402Gly). This variant is not present in population databases (gnomAD no frequency). This variant has not been reported in the literature in individuals affected with RAD50-related conditions. ClinVar contains an entry for this variant (Variation ID: 2811163). Invitae Evidence Modeling of protein sequence and biophysical properties (such as structural, functional, and spatial information, amino acid conservation, physicochemical variation, residue mobility, and thermodynamic stability) indicates that this missense variant is not expected to disrupt RAD50 protein function with a negative predictive value of 80%. In summary, the available evidence is currently insufficient to determine the role of this variant in disease. Therefore, it has been classified as a Variant of Uncertain Significance.

NM_005732.4(RAD50):c.1205A>G (p.Glu402Gly)

Gene: RAD50 (RAD50 double strand break repair protein; plus strand). Cytogenetic location: 5q31.1.
Variant type: single nucleotide variant.
Coding change: c.1205A>G on transcript NM_005732.4 (MANE Select); coding-DNA position 1205, A replaced by G.
Protein change: p.Glu402Gly; replaces glutamic acid 402 with glycine.
Molecular consequence: missense variant.
Genome position (GRCh38, 1-based): chr5:132,588,840, A>G. VCF-style: chr5-132588840-A-G. GRCh37 (hg19) VCF-style: chr5-131924532-A-G.
Other names: short protein forms E402G.
Identifiers: ClinVar variation 2811163 (VCV002811163.3), dbSNP rs2479634916, ClinGen allele CA360942925.
Genomic context (GRCh38, chr5:132,588,840, plus strand): 5'-GCTTTGAGCGTGGACCATTCAGTGAAAGACAGATTAAAAATTTTCACAAACTTGTGAGAG[A>G]GAGACAAGAAGGGGAAGCAAAAACTGCCAACCAACTGATGGCAAGTATTTTGAAATACAG-3'
Protein context (NP_005723.2, residues 392-412): QIKNFHKLVR[Glu402Gly]RQEGEAKTAN